The following is an entry in ClinVar:

NM_032273.4(TMEM126A):c.581T>C (p.Ile194Thr)

Gene: TMEM126A (transmembrane protein 126A; plus strand). Cytogenetic location: 11q14.1.
Variant type: single nucleotide variant.
Coding change: c.581T>C on transcript NM_032273.4 (MANE Select); coding-DNA position 581, T replaced by C.
Protein change: p.Ile194Thr; replaces isoleucine 194 with threonine.
Molecular consequence: missense variant.
Genome position (GRCh38, 1-based): chr11:85,656,494, T>C. VCF-style: chr11-85656494-T-C. GRCh37 (hg19) VCF-style: chr11-85367538-T-C.
Other names: c.371T>C, p.Ile124Thr (NM_001244735.2); short protein forms I124T, I194T.
Identifiers: ClinVar variation 2052883 (VCV002052883.4), dbSNP rs2547852119, ClinGen allele CA381997969.

ClinVar aggregate classification (germline): Uncertain significance (1 of 4 stars; one submission).

Allele frequency attached by ClinVar (database versions not stated): gnomAD exomes below 0.00001.
gnomAD v4.1: 1 of 1,611,952 alleles (0.000062%); highest among the groups gnomAD compares: Non-Finnish European, 0.000085%; no homozygotes.

Submission:

Labcorp Genetics (formerly Invitae), Labcorp
Classification: Uncertain significance. Last evaluated: 2023-08-04. Review status: criteria provided, single submitter. Criteria: Invitae Variant Classification Sherloc (09022015). Collection method: clinical testing. Allele origin: germline.
Comment: In summary, the available evidence is currently insufficient to determine the role of this variant in disease. Therefore, it has been classified as a Variant of Uncertain Significance. Algorithms developed to predict the effect of missense changes on protein structure and function output the following: SIFT: "Not Available"; PolyPhen-2: "Benign"; Align-GVGD: "Not Available". The threonine amino acid residue is found in multiple mammalian species, which suggests that this missense change does not adversely affect protein function. ClinVar contains an entry for this variant (Variation ID: 2052883). This variant has not been reported in the literature in individuals affected with TMEM126A-related conditions. This variant is not present in population databases (gnomAD no frequency). This sequence change replaces isoleucine, which is neutral and non-polar, with threonine, which is neutral and polar, at codon 194 of the TMEM126A protein (p.Ile194Thr).